The following is an entry in ClinVar:

ClinVar aggregate classification (germline): Uncertain significance (1 of 4 stars; one submission).

Conditions:
Congenital insensitivity to pain-hypohidrosis syndrome. Also called: HSAN VIII; Neuropathy, hereditary sensory and autonomic, type VIII. Identifiers: Orphanet 478664, MedGen C4225308, MONDO:0014662, OMIM 616488.

Allele frequency attached by ClinVar (database versions not stated): TOPMed below 0.00001; gnomAD 0.00001.

Submission:

Labcorp Genetics (formerly Invitae), Labcorp
Classification: Uncertain significance for Congenital insensitivity to pain-hypohidrosis syndrome. Last evaluated: 2022-11-15. Review status: criteria provided, single submitter. Criteria: Invitae Variant Classification Sherloc (09022015). Collection method: clinical testing. Allele origin: germline.
Comment: This sequence change replaces methionine, which is neutral and non-polar, with isoleucine, which is neutral and non-polar, at codon 243 of the PRDM12 protein (p.Met243Ile). This variant is not present in population databases (gnomAD no frequency). This variant has not been reported in the literature in individuals affected with PRDM12-related conditions. ClinVar contains an entry for this variant (Variation ID: 961753). Advanced modeling of protein sequence and biophysical properties (such as structural, functional, and spatial information, amino acid conservation, physicochemical variation, residue mobility, and thermodynamic stability) performed at Invitae indicates that this missense variant is not expected to disrupt PRDM12 protein function. In summary, the available evidence is currently insufficient to determine the role of this variant in disease. Therefore, it has been classified as a Variant of Uncertain Significance.

NM_021619.3(PRDM12):c.729G>A (p.Met243Ile)

Gene: PRDM12 (PR/SET domain 12; plus strand). Cytogenetic location: 9q34.12.
Variant type: single nucleotide variant.
Coding change: c.729G>A on transcript NM_021619.3 (MANE Select); coding-DNA position 729, G replaced by A.
Protein change: p.Met243Ile; replaces methionine 243 with isoleucine.
Molecular consequence: missense variant.
Genome position (GRCh38, 1-based): chr9:130,681,294, G>A. VCF-style: chr9-130681294-G-A. GRCh37 (hg19) VCF-style: chr9-133556681-G-A.
Other names: short protein forms M243I.
Identifiers: ClinVar variation 961753 (VCV000961753.9), dbSNP rs899015393, ClinGen allele CA200624683.